The following is an entry in ClinVar:

NM_001042492.3(NF1):c.4548G>C (p.Glu1516Asp)

Gene: NF1 (neurofibromin 1; plus strand). Cytogenetic location: 17q11.2.
Variant type: single nucleotide variant.
Coding change: c.4548G>C on transcript NM_001042492.3 (MANE Select); coding-DNA position 4548, G replaced by C.
Protein change: p.Glu1516Asp; replaces glutamic acid 1516 with aspartic acid.
Molecular consequence: missense variant.
Genome position (GRCh38, 1-based): chr17:31,260,486, G>C. VCF-style: chr17-31260486-G-C. GRCh37 (hg19) VCF-style: chr17-29587504-G-C.
Other names: c.4485G>C, p.Glu1495Asp (NM_000267.4); short protein forms E1495D, E1516D.
Identifiers: ClinVar variation 568927 (VCV000568927.9), dbSNP rs1567863000, ClinGen allele CA398999820.

ClinVar aggregate classification (germline): Uncertain significance. Review status: criteria provided, multiple submitters, no conflicts (2 of 4 stars). 3 submissions from 3 submitters: Uncertain significance (3). Last evaluated 2026-02-13.

Conditions:
Neurofibromatosis, type 1 (NF1). Also called: NEUROFIBROMATOSIS, TYPE I, SOMATIC; VON RECKLINGHAUSEN DISEASE; Peripheral type neurofibromatosis; Neurofibromatosis, type I. Identifiers: Orphanet 636, MedGen C0027831, MONDO:0018975, OMIM 162200. Disease mechanism: loss of function.
Hereditary cancer-predisposing syndrome. Also called: Tumor predisposition; Hereditary neoplastic syndrome; Neoplastic Syndromes, Hereditary; Hereditary Cancer Syndrome. Identifiers: Orphanet 140162, MedGen C0027672, MeSH D009386, MONDO:0015356.
Cardiovascular phenotype. Identifiers: MedGen CN230736.

Allele frequency attached by ClinVar (database versions not stated): TOPMed below 0.00001.

Submissions (3):

GeneDx
Classification: Uncertain significance. Last evaluated: 2026-02-13. Review status: criteria provided, single submitter. Criteria: GeneDx Variant Classification Process June 2021. Collection method: clinical testing. Allele origin: germline.
Comment: Not observed at significant frequency in large population cohorts (gnomAD); In silico analysis suggests that this missense variant does not alter protein structure/function; Has not been previously published as pathogenic or benign to our knowledge; This variant is associated with the following publications: (PMID: 22807134)

Labcorp Genetics (formerly Invitae), Labcorp
Classification: Uncertain significance for Neurofibromatosis, type 1. Last evaluated: 2024-12-17. Review status: criteria provided, single submitter. Criteria: Invitae Variant Classification Sherloc (09022015). Collection method: clinical testing. Allele origin: germline.
Comment: This sequence change replaces glutamic acid, which is acidic and polar, with aspartic acid, which is acidic and polar, at codon 1495 of the NF1 protein (p.Glu1495Asp). This variant is not present in population databases (gnomAD no frequency). This variant has not been reported in the literature in individuals affected with NF1-related conditions. ClinVar contains an entry for this variant (Variation ID: 568927). Invitae Evidence Modeling of protein sequence and biophysical properties (such as structural, functional, and spatial information, amino acid conservation, physicochemical variation, residue mobility, and thermodynamic stability) has been performed for this missense variant. However, the output from this modeling did not meet the statistical confidence thresholds required to predict the impact of this variant on NF1 protein function. In summary, the available evidence is currently insufficient to determine the role of this variant in disease. Therefore, it has been classified as a Variant of Uncertain Significance.

Ambry Genetics
Classification: Uncertain significance for Cardiovascular phenotype; Hereditary cancer-predisposing syndrome. Last evaluated: 2023-04-04. Review status: criteria provided, single submitter. Criteria: Ambry Variant Classification Scheme 2023. Collection method: clinical testing. Allele origin: germline.
Comment: The p.E1495D variant (also known as c.4485G>C), located in coding exon 33 of the NF1 gene, results from a G to C substitution at nucleotide position 4485. The glutamic acid at codon 1495 is replaced by aspartic acid, an amino acid with highly similar properties. This amino acid position is highly conserved in available vertebrate species. In addition, the in silico prediction for this alteration is inconclusive. Since supporting evidence is limited at this time, the clinical significance of this alteration remains unclear.